The following is an entry in ClinVar:

NM_000066.4(C8B):c.1657A>G (p.Asn553Asp)

Gene: C8B (complement C8 beta chain; minus strand). Cytogenetic location: 1p32.2.
Variant type: single nucleotide variant.
Coding change: c.1657A>G on transcript NM_000066.4 (MANE Select); coding-DNA position 1657, A replaced by G.
Protein change: p.Asn553Asp; replaces asparagine 553 with aspartic acid.
Molecular consequence: missense variant.
Genome position (GRCh38, 1-based): chr1:56,929,523, T>C on the plus strand (A>G on the coding strand, the complement: C8B is on the minus strand). VCF-style: chr1-56929523-T-C. GRCh37 (hg19) VCF-style: chr1-57395196-T-C.
Other names: c.1501A>G, p.Asn501Asp (NM_001278543.2); c.1471A>G, p.Asn491Asp (NM_001278544.2); short protein forms N501D, N553D, N491D.
Identifiers: ClinVar variation 1414118 (VCV001414118.7), dbSNP rs764821136, ClinGen allele CA875551.
Genomic context (GRCh38, chr1:56,929,523, plus strand): 5'-GAGGTGGATTGTTACACTGCCTTTGTCTTGTCTTACGTCTTCCAGAGCATGAAGACCAAT[T>C]TGACCAGCAATTCCACTTCCCATCAATGGGGGTATCTATAAGAAAGAAGGTCAATAAGCA-3'
Protein context (NP_000057.3, residues 543-563): PIDGKWNCWS[Asn553Asp]WSSCSGRRKT

ClinVar aggregate classification (germline): Uncertain significance (1 of 4 stars; one submission).

Allele frequency attached by ClinVar (database versions not stated): gnomAD 0.00001 and 0.00002; TOPMed 0.00002; gnomAD exomes 0.00010; ExAC 0.00012.
gnomAD v4.1: 48 of 1,613,788 alleles (0.003%); highest among the groups gnomAD compares: South Asian, 0.038%; 1 homozygote.

Submission:

Labcorp Genetics (formerly Invitae), Labcorp
Classification: Uncertain significance. Last evaluated: 2022-10-17. Review status: criteria provided, single submitter. Criteria: Invitae Variant Classification Sherloc (09022015). Collection method: clinical testing. Allele origin: germline.
Comment: In summary, the available evidence is currently insufficient to determine the role of this variant in disease. Therefore, it has been classified as a Variant of Uncertain Significance. Algorithms developed to predict the effect of missense changes on protein structure and function output the following: SIFT: "Tolerated"; PolyPhen-2: "Benign"; Align-GVGD: "Class C0". The aspartic acid amino acid residue is found in multiple mammalian species, which suggests that this missense change does not adversely affect protein function. ClinVar contains an entry for this variant (Variation ID: 1414118). This variant has not been reported in the literature in individuals affected with C8B-related conditions. This variant is present in population databases (rs764821136, gnomAD 0.07%). This sequence change replaces asparagine, which is neutral and polar, with aspartic acid, which is acidic and polar, at codon 553 of the C8B protein (p.Asn553Asp).